The following is an entry in ClinVar:

NM_004360.5(CDH1):c.884C>T (p.Thr295Ile)

Gene: CDH1 (cadherin 1; plus strand). Cytogenetic location: 16q22.1.
Variant type: single nucleotide variant.
Coding change: c.884C>T on transcript NM_004360.5 (MANE Select); coding-DNA position 884, C replaced by T.
Protein change: p.Thr295Ile; replaces threonine 295 with isoleucine.
Molecular consequence: missense variant. On other transcripts: 5 prime UTR variant (2).
Genome position (GRCh38, 1-based): chr16:68,811,735, C>T. VCF-style: chr16-68811735-C-T. GRCh37 (hg19) VCF-style: chr16-68845638-C-T.
Other names: c.884C>T, p.Thr295Ile (NM_001317184.2); c.-732C>T (NM_001317185.2); c.-936C>T (NM_001317186.2); short protein forms T295I.
Identifiers: ClinVar variation 2135277 (VCV002135277.4), dbSNP rs786204179, ClinGen allele CA396459646.
Genomic context (GRCh38, chr16:68,811,735, plus strand): 5'-CTCTTCCAGGAACCTCTGTGATGGAGGTCACAGCCACAGACGCGGACGATGATGTGAACA[C>T]CTACAATGCCGCCATCGCTTACACCATCCTCAGCCAAGATCCTGAGCTCCCTGACAAAAA-3'
Protein context (NP_004351.1, residues 285-305): TATDADDDVN[Thr295Ile]YNAAIAYTIL

ClinVar aggregate classification (germline): Uncertain significance (1 of 4 stars; one submission).

Conditions:
Hereditary diffuse gastric adenocarcinoma (HDGC). Also called: DIFFUSE GASTRIC AND LOBULAR BREAST CANCER SYNDROME. Identifiers: Orphanet 26106, MedGen C1708349, MONDO:0007648, OMIM 137215.

Submission:

Labcorp Genetics (formerly Invitae), Labcorp
Classification: Uncertain significance for Hereditary diffuse gastric adenocarcinoma. Last evaluated: 2024-11-11. Review status: criteria provided, single submitter. Criteria: Invitae Variant Classification Sherloc (09022015). Collection method: clinical testing. Allele origin: germline.
Comment: This sequence change replaces threonine, which is neutral and polar, with isoleucine, which is neutral and non-polar, at codon 295 of the CDH1 protein (p.Thr295Ile). This variant is not present in population databases (gnomAD no frequency). This variant has not been reported in the literature in individuals affected with CDH1-related conditions. ClinVar contains an entry for this variant (Variation ID: 2135277). An algorithm developed to predict the effect of missense changes on protein structure and function (PolyPhen-2) suggests that this variant is likely to be disruptive. In summary, the available evidence is currently insufficient to determine the role of this variant in disease. Therefore, it has been classified as a Variant of Uncertain Significance.